The following is an entry in ClinVar:

ClinVar aggregate classification (germline): Likely benign. Review status: criteria provided, multiple submitters, no conflicts (2 of 4 stars). 6 submissions from 6 submitters: Likely benign (3). 3 of the submissions do not count toward it. Last evaluated 2026-09-01.

Conditions:
KATNIP-related disorder. Also called: KATNIP-related condition.

Allele frequency attached by ClinVar (database versions not stated): 1000 Genomes Project 30x 0.00016; 1000 Genomes Project 0.00020; ExAC 0.00082; gnomAD exomes 0.00082; gnomAD 0.00092 and 0.00099; ESP Exome Variant Server 0.00100; TOPMed 0.00111.
gnomAD v4.1: 1,902 of 1,614,130 alleles (0.12%); highest among the groups gnomAD compares: Non-Finnish European, 0.15%; 2 homozygotes.

Submissions (6):

CeGaT Center for Human Genetics Tuebingen
Classification: Likely benign. Last evaluated: 2026-09-01. Review status: criteria provided, single submitter. Criteria: CeGaT Center For Human Genetics Tuebingen Variant Classification Criteria Version 2. Collection method: clinical testing. Allele origin: germline. Affected: yes. Observed: 3 variant alleles.
Comment: KATNIP: BP4, BP7

Labcorp Genetics (formerly Invitae), Labcorp
Classification: Likely benign. Last evaluated: 2025-10-02. Review status: criteria provided, single submitter. Criteria: Invitae Variant Classification Sherloc (09022015). Collection method: clinical testing. Allele origin: germline.

Blueprint Genetics
Classification: Likely benign. Last evaluated: 2024-10-04. Review status: criteria provided, single submitter. Criteria: ACMG Guidelines, 2015. Collection method: clinical testing. Allele origin: germline.

PreventionGenetics, part of Exact Sciences
Classification: Likely benign for KATNIP-related condition. Last evaluated: 2023-01-09. Review status: no assertion criteria provided. Collection method: clinical testing. Allele origin: germline. Not counted in ClinVar's aggregate classification.
Comment: This variant is classified as likely benign based on ACMG/AMP sequence variant interpretation guidelines (Richards et al. 2015 PMID: 25741868, with internal and published modifications).

Clinical Genetics DNA and cytogenetics Diagnostics Lab, Erasmus MC, Erasmus Medical Center
Classification: Likely benign. Review status: no assertion criteria provided. Collection method: clinical testing. Allele origin: germline. Affected: yes. Study: VKGL Data-share Consensus. Not counted in ClinVar's aggregate classification.

Genome Diagnostics Laboratory, University Medical Center Utrecht
Classification: Likely benign. Review status: no assertion criteria provided. Collection method: clinical testing. Allele origin: germline. Affected: yes. Study: VKGL Data-share Consensus. Not counted in ClinVar's aggregate classification.

NM_015202.5(KATNIP):c.4668C>T (p.Thr1556=)

Gene: KATNIP (katanin interacting protein; plus strand). Cytogenetic location: 16p12.1.
Variant type: single nucleotide variant.
Coding change: c.4668C>T on transcript NM_015202.5 (MANE Select); coding-DNA position 4668, C replaced by T.
Protein change: p.Thr1556=; no amino-acid change (threonine 1556 retained).
Molecular consequence: synonymous variant.
Genome position (GRCh38, 1-based): chr16:27,777,726, C>T. VCF-style: chr16-27777726-C-T. GRCh37 (hg19) VCF-style: chr16-27789047-C-T.
Other names: c.4668C>T (NM_015202.3).
Identifiers: ClinVar variation 779362 (VCV000779362.36), dbSNP rs113619157, ClinGen allele CA7978715.